The following is an entry in ClinVar:

NM_031935.3(HMCN1):c.2326A>C (p.Asn776His)

Gene: HMCN1 (hemicentin 1; plus strand). Cytogenetic location: 1q31.1.
Variant type: single nucleotide variant.
Coding change: c.2326A>C on transcript NM_031935.3 (MANE Select); coding-DNA position 2326, A replaced by C.
Protein change: p.Asn776His; replaces asparagine 776 with histidine.
Molecular consequence: missense variant.
Genome position (GRCh38, 1-based): chr1:185,970,448, A>C. VCF-style: chr1-185970448-A-C. GRCh37 (hg19) VCF-style: chr1-185939580-A-C.
Other names: short protein forms N776H.
Identifiers: ClinVar variation 1498285 (VCV001498285.6), dbSNP rs1183242164, ClinGen allele CA343879368.
Genomic context (GRCh38, chr1:185,970,448, plus strand): 5'-CTTTTGAAGATTCAAGAAACACAAGATCTGGATGCTGGCGATTATACCTGTGTAGCCATC[A>C]ATGAGGCTGGAAGAGCAACTGGCAAGATAACTCTGGATGTTGGCTGTAAGCCTCCAGATC-3'
Protein context (NP_114141.2, residues 766-786): DAGDYTCVAI[Asn776His]EAGRATGKIT

ClinVar aggregate classification (germline): Uncertain significance (1 of 4 stars; one submission).

Allele frequency attached by ClinVar (database versions not stated): gnomAD exomes below 0.00001.
gnomAD v4.1: 4 of 1,613,894 alleles (0.00025%); highest among the groups gnomAD compares: Non-Finnish European, 0.00034%; no homozygotes.

Submission:

Labcorp Genetics (formerly Invitae), Labcorp
Classification: Uncertain significance. Last evaluated: 2022-10-28. Review status: criteria provided, single submitter. Criteria: Invitae Variant Classification Sherloc (09022015). Collection method: clinical testing. Allele origin: germline.
Comment: This sequence change replaces asparagine, which is neutral and polar, with histidine, which is basic and polar, at codon 776 of the HMCN1 protein (p.Asn776His). This variant is present in population databases (no rsID available, gnomAD 0.0009%). This variant has not been reported in the literature in individuals affected with HMCN1-related conditions. In summary, the available evidence is currently insufficient to determine the role of this variant in disease. Therefore, it has been classified as a Variant of Uncertain Significance. Algorithms developed to predict the effect of missense changes on protein structure and function are either unavailable or do not agree on the potential impact of this missense change (SIFT: "Deleterious"; PolyPhen-2: "Probably Damaging"; Align-GVGD: "Class C0"). ClinVar contains an entry for this variant (Variation ID: 1498285).